The following is an entry in ClinVar:

ClinVar aggregate classification (germline): Likely pathogenic (1 of 4 stars; one submission).

Conditions:
Long chain 3-hydroxyacyl-CoA dehydrogenase deficiency. Also called: Deficiency of long-chain 3-hydroxyacyl-coenzyme A dehydrogenase; LCHAD Deficiency. Identifiers: Orphanet 5, MedGen C3711645, MONDO:0012173, OMIM 609016.
Mitochondrial trifunctional protein deficiency. Identifiers: Orphanet 746, MedGen C1969443, MONDO:0012172.

gnomAD v4.1: 8 of 1,614,074 alleles (0.0005%); highest among the groups gnomAD compares: Non-Finnish European, 0.00068%; no homozygotes.

Submission:

Labcorp Genetics (formerly Invitae), Labcorp
Classification: Likely pathogenic for Mitochondrial trifunctional protein deficiency; Long chain 3-hydroxyacyl-CoA dehydrogenase deficiency. Last evaluated: 2021-04-30. Review status: criteria provided, single submitter. Criteria: Invitae Variant Classification Sherloc (09022015). Collection method: clinical testing. Allele origin: germline.
Comment: This sequence change replaces leucine with proline at codon 733 of the HADHA protein (p.Leu733Pro). The leucine residue is weakly conserved and there is a moderate physicochemical difference between leucine and proline. This variant is not present in population databases (ExAC no frequency). This variant has been observed in individual(s) with long chain 3-hydroxyacyl-CoA dehydrogenase (LCHAD) deficiency (PMID: 8739956). In at least one individual the data is consistent with the variant being in trans (on the opposite chromosome) from a pathogenic variant. Advanced modeling of protein sequence and biophysical properties (such as structural, functional, and spatial information, amino acid conservation, physicochemical variation, residue mobility, and thermodynamic stability) performed at Invitae indicates that this missense variant is expected to disrupt HADHA protein function. In summary, the currently available evidence indicates that the variant is pathogenic, but additional data are needed to prove that conclusively. Therefore, this variant has been classified as Likely Pathogenic.

Literature cited by the submitters: PubMed 8739956.

NM_000182.5(HADHA):c.2198T>C (p.Leu733Pro)

Genes: GAREM2 (GRB2 associated regulator of MAPK1 subtype 2; plus strand), HADHA (hydroxyacyl-CoA dehydrogenase trifunctional multienzyme complex subunit alpha; minus strand). Cytogenetic location: 2p23.3.
Variant type: single nucleotide variant.
Coding change: c.2198T>C on transcript NM_000182.5 (MANE Select); coding-DNA position 2198, T replaced by C.
Protein change: p.Leu733Pro; replaces leucine 733 with proline.
Molecular consequence: missense variant.
Genome position (GRCh38, 1-based): chr2:26,191,344, A>G on the plus strand (T>C on the coding strand, the complement: HADHA is on the minus strand). VCF-style: chr2-26191344-A-G. GRCh37 (hg19) VCF-style: chr2-26414213-A-G.
Other names: short protein forms L733P.
Identifiers: ClinVar variation 1493594 (VCV001493594.8), dbSNP rs2147748812, ClinGen allele CA346111652.